The following is an entry in ClinVar:

ClinVar aggregate classification (germline): Uncertain significance. Review status: criteria provided, multiple submitters, no conflicts (2 of 4 stars). 2 submissions from 2 submitters: Uncertain significance (2). Last evaluated 2024-08-13.

Conditions:
Inborn genetic diseases. Identifiers: MedGen C0950123, MeSH D030342.

Allele frequency attached by ClinVar (database versions not stated): gnomAD exomes 0.00001.
gnomAD v4.1: 11 of 1,604,742 alleles (0.00069%); highest among the groups gnomAD compares: East Asian, 0.0022%; no homozygotes.

Submissions (2):

GeneDx
Classification: Uncertain significance. Last evaluated: 2024-08-13. Review status: criteria provided, single submitter. Criteria: GeneDx Variant Classification Process June 2021. Collection method: clinical testing. Allele origin: germline. Affected: yes.
Comment: Has not been previously published as pathogenic or benign to our knowledge; In silico analysis supports that this missense variant has a deleterious effect on protein structure/function

Ambry Genetics
Classification: Uncertain significance for Inborn genetic diseases. Last evaluated: 2024-02-28. Review status: criteria provided, single submitter. Criteria: Ambry Variant Classification Scheme 2023. Collection method: clinical testing. Allele origin: germline.

NM_003119.4(SPG7):c.211A>G (p.Thr71Ala)

Gene: SPG7 (SPG7 matrix AAA peptidase subunit, paraplegin; plus strand). Cytogenetic location: 16q24.3.
Variant type: single nucleotide variant.
Coding change: c.211A>G on transcript NM_003119.4 (MANE Select); coding-DNA position 211, A replaced by G.
Protein change: p.Thr71Ala; replaces threonine 71 with alanine.
Molecular consequence: missense variant.
Genome position (GRCh38, 1-based): chr16:89,510,517, A>G. VCF-style: chr16-89510517-A-G. GRCh37 (hg19) VCF-style: chr16-89576925-A-G.
Other names: c.211A>G, p.Thr71Ala (NM_001363850.1, NM_199367.3); short protein forms T71A.
Identifiers: ClinVar variation 3169006 (VCV003169006.2), dbSNP rs753973274, ClinGen allele CA8243467.
Genomic context (GRCh38, chr16:89,510,517, plus strand): 5'-TGACCTCCAGTATTGTTTTTTTTTTTTTTTCAGAGCTTACAATTGAGACTGCTAACCCCT[A>G]CCTTTGAAGGGATCAACGGATTGTTGTTGAAACAACATTTAGTTCAGAATCCAGTCAGAC-3'
Protein context (NP_003110.1, residues 61-81): QSLQLRLLTP[Thr71Ala]FEGINGLLLK